The following is an entry in ClinVar:

ClinVar aggregate classification (germline): Likely pathogenic (1 of 4 stars; one submission).

Submission:

Genetic Services Laboratory, University of Chicago
Classification: Likely pathogenic. Last evaluated: 2021-03-24. Review status: criteria provided, single submitter. Criteria: ACMG Guidelines, 2015. Collection method: clinical testing. Allele origin: germline. Affected: yes.
Comment: DNA sequence analysis of the AR gene demonstrated a sequence change, c.2668G>T, in exon 8 that results in an amino acid change, p.Val890Leu. This sequence change is absent from known population databases (gnomAD). The p.Val890Leu change affects a highly conserved amino acid residue located in a domain of the AR protein that is known to be functional. The p.Val890Leu substitution appears to be deleterious using several in-silico pathogenicity prediction tools (SIFT, PolyPhen2, Align GVGD, REVEL). This particular sequence change (reported as p.Val889Leu) has been previously reported in individuals with AR-related disorders of sexual development (PMID: 20150575). A different pathogenic sequence change affecting the same amino acid residue (p.Val890Met, reported as p.Val889Met)) has also been described in individuals with AR-related disorders (PMID: 10425033). The p.Val890Leu amino acid change occurs in a region of the AR gene where other missense sequence changes have been described in patients with AR-related disorders.

NM_000044.6(AR):c.2668G>T (p.Val890Leu)

Gene: AR (androgen receptor; plus strand). Cytogenetic location: Xq12.
Variant type: single nucleotide variant.
Coding change: c.2668G>T on transcript NM_000044.6 (MANE Select); coding-DNA position 2668, G replaced by T.
Protein change: p.Val890Leu; replaces valine 890 with leucine.
Molecular consequence: missense variant.
Genome position (GRCh38, 1-based): chrX:67,723,746, G>T. VCF-style: chrX-67723746-G-T. GRCh37 (hg19) VCF-style: chrX-66943588-G-T.
Other names: c.1072G>T, p.Val358Leu (NM_001011645.3); short protein forms V358L, V890L.
Identifiers: ClinVar variation 1338633 (VCV001338633.4), dbSNP rs886041133, ClinGen allele CA413428284.